The following is an entry in ClinVar:

NM_177438.3(DICER1):c.5177A>T (p.Gln1726Leu)

Gene: DICER1 (dicer 1, ribonuclease III; minus strand). Cytogenetic location: 14q32.13.
Variant type: single nucleotide variant.
Coding change: c.5177A>T on transcript NM_177438.3 (MANE Select); coding-DNA position 5177, A replaced by T.
Protein change: p.Gln1726Leu; replaces glutamine 1726 with leucine.
Molecular consequence: missense variant.
Genome position (GRCh38, 1-based): chr14:95,094,075, T>A on the plus strand (A>T on the coding strand, the complement: DICER1 is on the minus strand). VCF-style: chr14-95094075-T-A. GRCh37 (hg19) VCF-style: chr14-95560412-T-A.
Other names: c.5177A>T, p.Gln1726Leu (NM_001271282.3, NM_001291628.2, NM_030621.4 and 1 more transcripts); short protein forms Q1726L.
Identifiers: ClinVar variation 477246 (VCV000477246.10), dbSNP rs1555366877, ClinGen allele CA390865276.

ClinVar aggregate classification (germline): Uncertain significance (1 of 4 stars; one submission).

Conditions:
DICER1-related tumor predisposition. Also called: DICER1-related pleuropulmonary blastoma cancer predisposition syndrome; DICER1 syndrome. Identifiers: Orphanet 284343, MedGen C3839822, MONDO:0100216.

Submission:

Labcorp Genetics (formerly Invitae), Labcorp
Classification: Uncertain significance for DICER1-related tumor predisposition. Last evaluated: 2020-09-09. Review status: criteria provided, single submitter. Criteria: Invitae Variant Classification Sherloc (09022015). Collection method: clinical testing. Allele origin: germline.
Comment: This sequence change replaces glutamine with leucine at codon 1726 of the DICER1 protein (p.Gln1726Leu). The glutamine residue is highly conserved and there is a moderate physicochemical difference between glutamine and leucine. This variant is not present in population databases (ExAC no frequency) and has not been reported in the literature in individuals with a DICER1-related disease. Algorithms developed to predict the effect of missense changes on protein structure and function do not agree on the potential impact of this missense change (SIFT: "Deleterious"; PolyPhen-2: "Benign"; Align-GVGD: "Class C65"). In summary, this variant is a novel missense change with uncertain impact on protein function. It has been classified as a Variant of Uncertain Significance.